The following is an entry in ClinVar:

NM_015443.4(KANSL1):c.3148T>C (p.Cys1050Arg)

Gene: KANSL1 (KAT8 regulatory NSL complex subunit 1). Cytogenetic location: 17q21.31.
Variant type: single nucleotide variant.
Coding change: c.3148T>C on transcript NM_015443.4 (MANE Select); coding-DNA position 3148, T replaced by C.
Protein change: p.Cys1050Arg; replaces cysteine 1050 with arginine.
Molecular consequence: missense variant.
Genome position (GRCh38, 1-based): chr17:46,031,646, A>G on the plus strand (T>C on the coding strand, the complement: KANSL1 is on the minus strand). VCF-style: chr17-46031646-A-G. GRCh37 (hg19) VCF-style: chr17-44109012-A-G.
Other names: p.C1050R:TGT>CGT; c.3145T>C, p.Cys1049Arg (NM_001193465.2); c.3148T>C, p.Cys1050Arg (NM_001193466.2, NM_001379198.1); short protein forms C1050R, C1049R.
Identifiers: ClinVar variation 205755 (VCV000205755.4), dbSNP rs796052590, ClinGen allele CA315138.

ClinVar aggregate classification (germline): Conflicting classifications of pathogenicity. Review status: criteria provided, conflicting classifications (1 of 4 stars). 2 submissions from 2 submitters: Uncertain significance (1); Likely benign (1). Last evaluated 2025-01-28.

Conditions:
Koolen-de Vries syndrome (KDVS). Identifiers: Orphanet 96169, MedGen C1864871, MONDO:0012496, OMIM 610443.

Submissions (2):

Labcorp Genetics (formerly Invitae), Labcorp
Classification: Uncertain significance for Koolen-de Vries syndrome. Last evaluated: 2025-01-28. Review status: criteria provided, single submitter. Criteria: Invitae Variant Classification Sherloc (09022015). Collection method: clinical testing. Allele origin: germline.
Comment: This sequence change replaces cysteine, which is neutral and slightly polar, with arginine, which is basic and polar, at codon 1050 of the KANSL1 protein (p.Cys1050Arg). This variant is not present in population databases (gnomAD no frequency). This variant has not been reported in the literature in individuals affected with KANSL1-related conditions. ClinVar contains an entry for this variant (Variation ID: 205755). Invitae Evidence Modeling of protein sequence and biophysical properties (such as structural, functional, and spatial information, amino acid conservation, physicochemical variation, residue mobility, and thermodynamic stability) indicates that this missense variant is not expected to disrupt KANSL1 protein function with a negative predictive value of 80%. In summary, the available evidence is currently insufficient to determine the role of this variant in disease. Therefore, it has been classified as a Variant of Uncertain Significance.

GeneDx
Classification: Likely benign. Last evaluated: 2014-10-13. Review status: criteria provided, single submitter. Criteria: GeneDx Variant Classification (06012015). Collection method: clinical testing. Allele origin: germline. Affected: yes.
Comment: This variant is considered likely benign or benign based on one or more of the following criteria: it is a conservative change, it occurs at a poorly conserved position in the protein, it is predicted to be benign by multiple in silico algorithms, and/or has population frequency not consistent with disease.